The following is an entry in ClinVar:

ClinVar aggregate classification (germline): Pathogenic (1 of 4 stars; one submission).

Submission:

Labcorp Genetics (formerly Invitae), Labcorp
Classification: Pathogenic. Last evaluated: 2023-05-19. Review status: criteria provided, single submitter. Criteria: Invitae Variant Classification Sherloc (09022015). Collection method: clinical testing. Allele origin: germline.
Comment: This variant is not present in population databases (gnomAD no frequency). This variant has not been reported in the literature in individuals affected with HSD3B2-related conditions. For these reasons, this variant has been classified as Pathogenic. This sequence change creates a premature translational stop signal (p.Lys26*) in the HSD3B2 gene. It is expected to result in an absent or disrupted protein product. Loss-of-function variants in HSD3B2 are known to be pathogenic (PMID: 11196452).

Literature cited by the submitters: PubMed 11196452.

NM_000198.4(HSD3B2):c.76A>T (p.Lys26Ter)

Genes: HSD3B2 (hydroxy-delta-5-steroid dehydrogenase, 3 beta- and steroid delta-isomerase 2; plus strand), LOC109029530 (HSD3B2 5' regulatory region; plus strand). Cytogenetic location: 1p12.
Variant type: single nucleotide variant.
Coding change: c.76A>T on transcript NM_000198.4 (MANE Select); coding-DNA position 76, A replaced by T.
Protein change: p.Lys26Ter; replaces lysine 26 with a stop codon.
Molecular consequence: nonsense.
Genome position (GRCh38, 1-based): chr1:119,415,495, A>T. VCF-style: chr1-119415495-A-T. GRCh37 (hg19) VCF-style: chr1-119958118-A-T.
Other names: c.76A>T, p.Lys26Ter (NM_001166120.2); short protein forms K26*.
Identifiers: ClinVar variation 2865706 (VCV002865706.3), dbSNP rs2526373039, ClinGen allele CA341394151.